The following is an entry in ClinVar:

NM_001903.5(CTNNA1):c.737A>G (p.Lys246Arg)

Gene: CTNNA1 (catenin alpha 1; plus strand). Cytogenetic location: 5q31.2.
Variant type: single nucleotide variant.
Coding change: c.737A>G on transcript NM_001903.5 (MANE Select); coding-DNA position 737, A replaced by G.
Protein change: p.Lys246Arg; replaces lysine 246 with arginine.
Molecular consequence: missense variant.
Genome position (GRCh38, 1-based): chr5:138,824,678, A>G. VCF-style: chr5-138824678-A-G. GRCh37 (hg19) VCF-style: chr5-138160367-A-G.
Other names: c.737A>G (NM_001903.2); c.737A>G, p.Lys246Arg (NM_001290307.3, NM_001323982.2, NM_001323983.1 and 3 more transcripts); c.428A>G, p.Lys143Arg (NM_001290309.3); c.368A>G, p.Lys123Arg (NM_001290310.3); short protein forms K143R, K246R, K123R.
Identifiers: ClinVar variation 664957 (VCV000664957.10), dbSNP rs1442390605, ClinGen allele CA361129900.
Genomic context (GRCh38, chr5:138,824,678, plus strand): 5'-AGGCATGCCTACAGCACCCTGATGTCGCAGCCTATAAGGCCAACAGGGACCTGATATACA[A>G]GCAGCTGCAGCAGGCGGTCACAGGCATTTCCAATGCAGCCCAGGCCACTGCCTCAGACGA-3'
Protein context (NP_001894.2, residues 236-256): AYKANRDLIY[Lys246Arg]QLQQAVTGIS

ClinVar aggregate classification (germline): Uncertain significance. Review status: criteria provided, multiple submitters, no conflicts (2 of 4 stars). 2 submissions from 2 submitters: Uncertain significance (2). Last evaluated 2024-07-03.

Conditions:
Hereditary cancer-predisposing syndrome. Also called: Tumor predisposition; Hereditary neoplastic syndrome; Neoplastic Syndromes, Hereditary; Hereditary Cancer Syndrome. Identifiers: Orphanet 140162, MedGen C0027672, MeSH D009386, MONDO:0015356.

Allele frequency attached by ClinVar (database versions not stated): gnomAD exomes below 0.00001; TOPMed below 0.00001.
gnomAD v4.1: 1 of 1,614,224 alleles (0.000062%); highest among the groups gnomAD compares: East Asian, 0.0022%; no homozygotes.

Submissions (2):

Labcorp Genetics (formerly Invitae), Labcorp
Classification: Uncertain significance. Last evaluated: 2024-07-03. Review status: criteria provided, single submitter. Criteria: Invitae Variant Classification Sherloc (09022015). Collection method: clinical testing. Allele origin: germline.
Comment: This sequence change replaces lysine, which is basic and polar, with arginine, which is basic and polar, at codon 246 of the CTNNA1 protein (p.Lys246Arg). This variant is not present in population databases (gnomAD no frequency). This variant has not been reported in the literature in individuals affected with CTNNA1-related conditions. ClinVar contains an entry for this variant (Variation ID: 664957). Advanced modeling of protein sequence and biophysical properties (such as structural, functional, and spatial information, amino acid conservation, physicochemical variation, residue mobility, and thermodynamic stability) performed at Invitae indicates that this missense variant is not expected to disrupt CTNNA1 protein function with a negative predictive value of 80%. In summary, the available evidence is currently insufficient to determine the role of this variant in disease. Therefore, it has been classified as a Variant of Uncertain Significance.

Ambry Genetics
Classification: Uncertain significance for Hereditary cancer-predisposing syndrome. Last evaluated: 2023-03-01. Review status: criteria provided, single submitter. Criteria: Ambry Variant Classification Scheme 2023. Collection method: clinical testing. Allele origin: germline.
Comment: The p.K246R variant (also known as c.737A>G), located in coding exon 5 of the CTNNA1 gene, results from an A to G substitution at nucleotide position 737. The lysine at codon 246 is replaced by arginine, an amino acid with highly similar properties. This amino acid position is highly conserved in available vertebrate species. In addition, the in silico prediction for this alteration is inconclusive. The evidence for this gene-disease relationship is limited; therefore, the clinical significance of this alteration is unclear.